The following is an entry in ClinVar:

NM_004863.4(SPTLC2):c.632-49del

Gene: SPTLC2 (serine palmitoyltransferase long chain base subunit 2; minus strand). Cytogenetic location: 14q24.3.
Variant type: Deletion.
Coding change: c.632-49del on transcript NM_004863.4 (MANE Select); 49 bases into the intron before coding-DNA position 632, one base deleted (C; older notation c.632-49delC).
Molecular consequence: intron variant.
Genome position (GRCh38, 1-based): chr14:77,570,557, G deleted on the plus strand (C on the coding strand, the reverse complement: SPTLC2 is on the minus strand). VCF-style (leftmost placement, unchanged base first): chr14-77570556-AG-A. GRCh37 (hg19) VCF-style: chr14-78036899-AG-A.
Other names: c.632-49delC (NM_004863.3).
Identifiers: ClinVar variation 670568 (VCV000670568.3), dbSNP rs11344772, ClinGen allele CA7289407.

ClinVar aggregate classification (germline): Benign. Review status: criteria provided, multiple submitters, no conflicts (2 of 4 stars). 2 submissions from 2 submitters: Benign (2). Last evaluated 2021-07-15.

Conditions:
Neuropathy, hereditary sensory and autonomic, type 1C. Also called: HSAN IC; HSN IC. Identifiers: Orphanet 36386, MedGen C3150896, MONDO:0013337, OMIM 613640.

Allele frequency attached by ClinVar (database versions not stated): ESP Exome Variant Server 0.46126; TOPMed 0.46473; gnomAD 0.47249 and 0.47739; 1000 Genomes Project 30x 0.50468; ExAC 0.50895; gnomAD exomes 0.51108 and 0.51667; 1000 Genomes Project 0.51757.

Submissions (2):

Genome-Nilou Lab
Classification: Benign for Neuropathy, hereditary sensory and autonomic, type 1C. Last evaluated: 2021-07-15. Review status: criteria provided, single submitter. Criteria: ACMG Guidelines, 2015. Collection method: clinical testing. Allele origin: germline. Affected: no.

GeneDx
Classification: Benign. Last evaluated: 2018-06-19. Review status: criteria provided, single submitter. Criteria: GeneDx Variant Classification (06012015). Collection method: clinical testing. Allele origin: germline. Affected: yes.
Comment: This variant is considered likely benign or benign based on one or more of the following criteria: it is a conservative change, it occurs at a poorly conserved position in the protein, it is predicted to be benign by multiple in silico algorithms, and/or has population frequency not consistent with disease.